The following is an entry in ClinVar:

ClinVar aggregate classification (germline): Uncertain significance (1 of 4 stars; one submission).

Submission:

Ambry Genetics
Classification: Uncertain significance. Last evaluated: 2021-08-21. Review status: criteria provided, single submitter. Criteria: Ambry Variant Classification Scheme 2023. Collection method: clinical testing. Allele origin: germline.
Comment: The p.I394V variant (also known as c.1180A>G), located in coding exon 9 of the FAM175A gene, results from an A to G substitution at nucleotide position 1180. The isoleucine at codon 394 is replaced by valine, an amino acid with highly similar properties. This amino acid position is conserved. In addition, this alteration is predicted to be tolerated by in silico analysis. Since supporting evidence is limited at this time, the clinical significance of this alteration remains unclear.

NM_139076.3(ABRAXAS1):c.1180A>G (p.Ile394Val)

Gene: ABRAXAS1 (abraxas 1, BRCA1 A complex subunit; minus strand). Cytogenetic location: 4q21.23.
Variant type: single nucleotide variant.
Coding change: c.1180A>G on transcript NM_139076.3 (MANE Select); coding-DNA position 1180, A replaced by G.
Protein change: p.Ile394Val; replaces isoleucine 394 with valine.
Molecular consequence: missense variant.
Genome position (GRCh38, 1-based): chr4:83,462,519, T>C on the plus strand (A>G on the coding strand, the complement: ABRAXAS1 is on the minus strand). VCF-style: chr4-83462519-T-C. GRCh37 (hg19) VCF-style: chr4-84383672-T-C.
Other names: c.853A>G, p.Ile285Val (NM_001345962.2); short protein forms I285V, I394V.
Identifiers: ClinVar variation 1799635 (VCV001799635.2), dbSNP rs1560570462, ClinGen allele CA357254950.